The following is an entry in ClinVar:

ClinVar aggregate classification (germline): Likely benign (1 of 4 stars; one submission).

Conditions:
Familial hypercholesterolemia. Also called: Familial hypercholesterolaemia. Identifiers: MedGen C0020445, MONDO:0005439.

Submission:

GENinCode PLC
Classification: Likely benign for Familial hypercholesterolemia. Last evaluated: 2024-01-12. Review status: criteria provided, single submitter. Criteria: ACMG Guidelines, 2015. Collection method: clinical testing. Allele origin: germline.
Comment: This is a synonymous (silent) variant that is not predicted by SpliceAI to impact splicing. In addition, it occurs at a nucleotide that is not conserved. Therefore this variant has been classified as Likely Benign (BP4, BP7).

NM_000384.3(APOB):c.2481T>G (p.Leu827=)

Gene: APOB (apolipoprotein B; minus strand). Cytogenetic location: 2p24.1.
Variant type: single nucleotide variant.
Coding change: c.2481T>G on transcript NM_000384.3 (MANE Select); coding-DNA position 2481, T replaced by G.
Protein change: p.Leu827=; no amino-acid change (leucine 827 retained).
Molecular consequence: synonymous variant.
Genome position (GRCh38, 1-based): chr2:21,023,648, A>C on the plus strand (T>G on the coding strand, the complement: APOB is on the minus strand). VCF-style: chr2-21023648-A-C. GRCh37 (hg19) VCF-style: chr2-21246520-A-C.
Identifiers: ClinVar variation 3392986 (VCV003392986.1).